The following is an entry in ClinVar:

ClinVar aggregate classification (germline): Likely benign. Review status: criteria provided, multiple submitters, no conflicts (2 of 4 stars). 3 submissions from 3 submitters: Likely benign (3). Last evaluated 2025-02-05.

Conditions:
Cardiovascular phenotype. Identifiers: MedGen CN230736.
Hypertrophic cardiomyopathy. Also called: HYPERTROPHIC MYOCARDIOPATHY. Identifiers: Orphanet 217569, MedGen C0007194, MeSH D002312, MONDO:0005045, HP:0001639.

Allele frequency attached by ClinVar (database versions not stated): gnomAD 0.00001; TOPMed 0.00002.
gnomAD v4.1: 48 of 1,580,858 alleles (0.003%); highest among the groups gnomAD compares: South Asian, 0.047%; 1 homozygote.

Submissions (3):

Labcorp Genetics (formerly Invitae), Labcorp
Classification: Likely benign for Hypertrophic cardiomyopathy. Last evaluated: 2025-02-05. Review status: criteria provided, single submitter. Criteria: Invitae Variant Classification Sherloc (09022015). Collection method: clinical testing. Allele origin: germline.

Ambry Genetics
Classification: Likely benign for Cardiovascular phenotype. Last evaluated: 2020-02-12. Review status: criteria provided, single submitter. Criteria: Ambry Variant Classification Scheme 2023. Collection method: clinical testing. Allele origin: germline.

GeneDx
Classification: Likely benign. Last evaluated: 2015-12-02. Review status: criteria provided, single submitter. Criteria: GeneDx Variant Classification (06012015). Collection method: clinical testing. Allele origin: germline. Affected: yes.
Comment: This variant is considered likely benign or benign based on one or more of the following criteria: it is a conservative change, it occurs at a poorly conserved position in the protein, it is predicted to be benign by multiple in silico algorithms, and/or has population frequency not consistent with disease.

NM_020433.5(JPH2):c.1662G>A (p.Pro554=)

Gene: JPH2 (junctophilin 2; minus strand). Cytogenetic location: 20q13.12.
Variant type: single nucleotide variant.
Coding change: c.1662G>A on transcript NM_020433.5 (MANE Select); coding-DNA position 1662, G replaced by A.
Protein change: p.Pro554=; no amino-acid change (proline 554 retained).
Molecular consequence: synonymous variant.
Genome position (GRCh38, 1-based): chr20:44,116,013, C>T on the plus strand (G>A on the coding strand, the complement: JPH2 is on the minus strand). VCF-style: chr20-44116013-C-T. GRCh37 (hg19) VCF-style: chr20-42744653-C-T.
Identifiers: ClinVar variation 381976 (VCV000381976.7), dbSNP rs748323930, ClinGen allele CA9868642.